The following is an entry in ClinVar:

ClinVar aggregate classification (germline): Uncertain significance (1 of 4 stars; one submission).

Conditions:
Bethlem myopathy 1A. Also called: Bethlem myopathy 1; MYOPATHY, BENIGN CONGENITAL, WITH CONTRACTURES; Bethlem Muscular Dystrophy. Identifiers: Orphanet 610, MedGen CN029274, MONDO:0024530, OMIM 158810.

Submission:

Labcorp Genetics (formerly Invitae), Labcorp
Classification: Uncertain significance for Bethlem myopathy 1A. Last evaluated: 2024-02-23. Review status: criteria provided, single submitter. Criteria: Invitae Variant Classification Sherloc (09022015). Collection method: clinical testing. Allele origin: germline.
Comment: This sequence change replaces lysine, which is basic and polar, with glutamic acid, which is acidic and polar, at codon 1088 of the COL6A3 protein (p.Lys1088Glu). This variant is not present in population databases (gnomAD no frequency). This variant has not been reported in the literature in individuals affected with COL6A3-related conditions. Advanced modeling of protein sequence and biophysical properties (such as structural, functional, and spatial information, amino acid conservation, physicochemical variation, residue mobility, and thermodynamic stability) performed at Invitae indicates that this missense variant is not expected to disrupt COL6A3 protein function with a negative predictive value of 80%. In summary, the available evidence is currently insufficient to determine the role of this variant in disease. Therefore, it has been classified as a Variant of Uncertain Significance.

NM_004369.4(COL6A3):c.3262A>G (p.Lys1088Glu)

Gene: COL6A3 (collagen type VI alpha 3 chain; minus strand). Cytogenetic location: 2q37.3.
Variant type: single nucleotide variant.
Coding change: c.3262A>G on transcript NM_004369.4 (MANE Select); coding-DNA position 3262, A replaced by G.
Protein change: p.Lys1088Glu; replaces lysine 1088 with glutamic acid.
Molecular consequence: missense variant.
Genome position (GRCh38, 1-based): chr2:237,374,829, T>C on the plus strand (A>G on the coding strand, the complement: COL6A3 is on the minus strand). VCF-style: chr2-237374829-T-C. GRCh37 (hg19) VCF-style: chr2-238283472-T-C.
Other names: c.2041A>G, p.Lys681Glu (NM_057164.5); c.2644A>G, p.Lys882Glu (NM_057165.5, NM_057167.4); c.1441A>G, p.Lys481Glu (NM_057166.5); short protein forms K481E, K882E, K1088E, K681E.
Identifiers: ClinVar variation 3632795 (VCV003632795.2).